The following is an entry in ClinVar:

NM_000197.2(HSD17B3):c.159_160insT (p.Thr54fs)

Genes: HSD17B3 (hydroxysteroid 17-beta dehydrogenase 3; minus strand), SLC35D2-HSD17B3 (SLC35D2-HSD17B3 readthrough; minus strand). Cytogenetic location: 9q22.32.
Variant type: Insertion.
Coding change: c.159_160insT on transcript NM_000197.2 (MANE Select); coding-DNA positions 159 to 160, T inserted.
Protein change: p.Thr54fs; shifts the reading frame from threonine 54.
Molecular consequence: frameshift variant.
Genome position: GRCh38 VCF-style: chr9-96298457-T-TA. GRCh37 (hg19) VCF-style: chr9-99060739-T-TA.
Other names: short protein forms T54fs.
Identifiers: ClinVar variation 1943775 (VCV001943775.5), dbSNP rs2490199594, ClinGen allele CA2580080741.

ClinVar aggregate classification (germline): Pathogenic (1 of 4 stars; one submission).

Submission:

Labcorp Genetics (formerly Invitae), Labcorp
Classification: Pathogenic. Last evaluated: 2025-01-15. Review status: criteria provided, single submitter. Criteria: Invitae Variant Classification Sherloc (09022015). Collection method: clinical testing. Allele origin: germline.
Comment: This sequence change creates a premature translational stop signal (p.Thr54Tyrfs*26) in the HSD17B3 gene. It is expected to result in an absent or disrupted protein product. Loss-of-function variants in HSD17B3 are known to be pathogenic (PMID: 23796702, 25740850). This variant is not present in population databases (gnomAD no frequency). This variant has not been reported in the literature in individuals affected with HSD17B3-related conditions. ClinVar contains an entry for this variant (Variation ID: 1943775). For these reasons, this variant has been classified as Pathogenic.

Literature cited by the submitters: PubMed 23796702; PubMed 25740850.